The following is an entry in ClinVar:

ClinVar aggregate classification (germline): Uncertain significance (1 of 4 stars; one submission).

gnomAD v4.1: 2 of 1,586,872 alleles (0.00013%); highest among the groups gnomAD compares: Non-Finnish European, 0.00017%; no homozygotes.

Submission:

Labcorp Genetics (formerly Invitae), Labcorp
Classification: Uncertain significance. Last evaluated: 2023-12-11. Review status: criteria provided, single submitter. Criteria: Invitae Variant Classification Sherloc (09022015). Collection method: clinical testing. Allele origin: germline.
Comment: This sequence change replaces aspartic acid, which is acidic and polar, with glutamic acid, which is acidic and polar, at codon 16 of the ADAMTS9 protein (p.Asp16Glu). This variant is not present in population databases (gnomAD no frequency). This variant has not been reported in the literature in individuals affected with ADAMTS9-related conditions. ClinVar contains an entry for this variant (Variation ID: 2419315). An algorithm developed to predict the effect of missense changes on protein structure and function (PolyPhen-2) suggests that this variant is likely to be tolerated. In summary, the available evidence is currently insufficient to determine the role of this variant in disease. Therefore, it has been classified as a Variant of Uncertain Significance.

NM_182920.2(ADAMTS9):c.48C>A (p.Asp16Glu)

Genes: ADAMTS9 (ADAM metallopeptidase with thrombospondin type 1 motif 9; minus strand), ADAMTS9-AS2 (ADAMTS9 antisense RNA 2; plus strand). Cytogenetic location: 3p14.1.
Variant type: single nucleotide variant.
Coding change: c.48C>A on transcript NM_182920.2 (MANE Select); coding-DNA position 48, C replaced by A.
Protein change: p.Asp16Glu; replaces aspartic acid 16 with glutamic acid.
Molecular consequence: missense variant.
Genome position (GRCh38, 1-based): chr3:64,687,610, G>T on the plus strand (C>A on the coding strand, the complement: ADAMTS9 is on the minus strand). VCF-style: chr3-64687610-G-T. GRCh37 (hg19) VCF-style: chr3-64673286-G-T.
Other names: c.48C>A, p.Asp16Glu (NM_001318781.2); short protein forms D16E.
Identifiers: ClinVar variation 2419315 (VCV002419315.6), dbSNP rs1416565273, ClinGen allele CA353446425.